The following is an entry in ClinVar:

ClinVar aggregate classification (germline): Likely pathogenic (1 of 4 stars; one submission).

Conditions:
Autosomal dominant Alport syndrome (ATS3A). Also called: Alport syndrome dominant type; Renal failure and sensorineural hearing loss; ALPORT SYNDROME 3A, AUTOSOMAL DOMINANT. Identifiers: Orphanet 63, Orphanet 88918, MedGen C5882663, MONDO:0007086, OMIM 104200.

Submission:

MVZ Medizinische Genetik Mainz
Classification: Likely pathogenic for Autosomal dominant Alport syndrome. Last evaluated: 2024-07-16. Review status: criteria provided, single submitter. Criteria: UK Practice Guidelines For Variant Classification V4 01 2020. Collection method: clinical testing. Allele origin: germline. Inheritance: Autosomal dominant inheritance. Affected: yes. Observed: 1 variant allele.
Comment: ACMG Criteria: PM1_STR,PM2_SUP,PP3,PP4

NM_000091.5(COL4A3):c.3418G>C (p.Gly1140Arg)

Genes: COL4A3 (collagen type IV alpha 3 chain; plus strand), MFF-DT (MFF divergent transcript; minus strand). Cytogenetic location: 2q36.3.
Variant type: single nucleotide variant.
Coding change: c.3418G>C on transcript NM_000091.5 (MANE Select); coding-DNA position 3418, G replaced by C.
Protein change: p.Gly1140Arg; replaces glycine 1140 with arginine.
Molecular consequence: missense variant.
Genome position (GRCh38, 1-based): chr2:227,294,570, G>C. VCF-style: chr2-227294570-G-C. GRCh37 (hg19) VCF-style: chr2-228159286-G-C.
Other names: short protein forms G1140R.
Identifiers: ClinVar variation 3338410 (VCV003338410.1).